The following is an entry in ClinVar:

ClinVar aggregate classification (germline): Uncertain significance. Review status: criteria provided, multiple submitters, no conflicts (2 of 4 stars). 2 submissions from 2 submitters: Uncertain significance (2). Last evaluated 2025-08-06.

Conditions:
Inborn genetic diseases. Identifiers: MedGen C0950123, MeSH D030342.

Allele frequency attached by ClinVar (database versions not stated): gnomAD exomes below 0.00001 and 0.00001; gnomAD 0.00002; TOPMed 0.00002.
gnomAD v4.1: 11 of 1,613,834 alleles (0.00068%); highest among the groups gnomAD compares: African/African-American, 0.0013%; no homozygotes.

Submissions (2):

Ambry Genetics
Classification: Uncertain significance for Inborn genetic diseases. Last evaluated: 2025-08-06. Review status: criteria provided, single submitter. Criteria: Ambry Variant Classification Scheme 2023. Collection method: clinical testing. Allele origin: germline.

GeneDx
Classification: Uncertain significance. Last evaluated: 2016-11-07. Review status: criteria provided, single submitter. Criteria: GeneDx Variant Classification (06012015). Collection method: clinical testing. Allele origin: germline. Affected: yes.
Comment: The V1351A variant in the ANK3 gene has not been reported previously as a pathogenic variant, nor as a benign variant, to our knowledge. The V1351A variant was not observed in approximately 6,500 individuals of European and African American ancestry in the NHLBI Exome Sequencing Project, indicating it is not a common benign variant in these populations. The V1351A variant is a conservative amino acid substitution, which is not likely to impact secondary protein structure as these residues share similar properties. However, this substitution occurs at a position that is conserved across species, and in silico analysis predicts this variant is probably damaging to the protein structure/function. We interpret V1351A as a variant of uncertain significance.

NM_020987.5(ANK3):c.4052T>C (p.Val1351Ala)

Gene: ANK3 (ankyrin 3; minus strand). Cytogenetic location: 10q21.2.
Variant type: single nucleotide variant.
Coding change: c.4052T>C on transcript NM_020987.5 (MANE Select); coding-DNA position 4052, T replaced by C.
Protein change: p.Val1351Ala; replaces valine 1351 with alanine.
Molecular consequence: missense variant.
Genome position (GRCh38, 1-based): chr10:60,084,624, A>G on the plus strand (T>C on the coding strand, the complement: ANK3 is on the minus strand). VCF-style: chr10-60084624-A-G. GRCh37 (hg19) VCF-style: chr10-61844382-A-G.
Other names: c.1454T>C, p.Val485Ala (NM_001149.4); c.4034T>C, p.Val1345Ala (NM_001204403.2); c.4055T>C, p.Val1352Ala (NM_001204404.2); c.4052T>C, p.Val1351Ala (NM_001320874.2); short protein forms V1345A, V1351A, V485A, V1352A.
Identifiers: ClinVar variation 390380 (VCV000390380.3), dbSNP rs1057523750, ClinGen allele CA16606023.